The following is an entry in ClinVar:

ClinVar aggregate classification (germline): Uncertain significance (1 of 4 stars; one submission).

Conditions:
Autosomal recessive limb-girdle muscular dystrophy type 2O. Also called: Limb-Girdle Muscular Dystrophy Type 3C; MUSCULAR DYSTROPHY-DYSTROGLYCANOPATHY (LIMB-GIRDLE), TYPE C, 3; MUSCULAR DYSTROPHY-DYSTROGLYCANOPATHY, LIMB-GIRDLE, POMGNT1-RELATED. Identifiers: Orphanet 206564, MedGen C3150417, MONDO:0013161, OMIM 613157.
Muscular dystrophy-dystroglycanopathy (congenital with impaired intellectual development), type B, 3. Also called: Muscular dystrophy-dystroglycanopathy (congenital with intellectual disability), type B3; MUSCULAR DYSTROPHY, CONGENITAL, POMGNT1-RELATED. Identifiers: MedGen C3150412, MONDO:0013155, OMIM 613151.

Allele frequency attached by ClinVar (database versions not stated): gnomAD 0.00001.
gnomAD v4.1: 1 of 1,614,076 alleles (0.000062%); highest among the groups gnomAD compares: African/African-American, 0.0013%; no homozygotes.

Submission:

Labcorp Genetics (formerly Invitae), Labcorp
Classification: Uncertain significance for Autosomal recessive limb-girdle muscular dystrophy type 2O; Muscular dystrophy-dystroglycanopathy (congenital with impaired intellectual development), type B, 3. Last evaluated: 2022-04-30. Review status: criteria provided, single submitter. Criteria: Invitae Variant Classification Sherloc (09022015). Collection method: clinical testing. Allele origin: germline.
Comment: This sequence change replaces methionine, which is neutral and non-polar, with threonine, which is neutral and polar, at codon 477 of the POMGNT1 protein (p.Met477Thr). This variant is present in population databases (no rsID available, gnomAD 0.01%). This variant has not been reported in the literature in individuals affected with POMGNT1-related conditions. Advanced modeling of protein sequence and biophysical properties (such as structural, functional, and spatial information, amino acid conservation, physicochemical variation, residue mobility, and thermodynamic stability) performed at Invitae indicates that this missense variant is not expected to disrupt POMGNT1 protein function. In summary, the available evidence is currently insufficient to determine the role of this variant in disease. Therefore, it has been classified as a Variant of Uncertain Significance.

NM_017739.4(POMGNT1):c.1430T>C (p.Met477Thr)

Genes: POMGNT1 (protein O-linked mannose N-acetylglucosaminyltransferase 1 (beta 1,2-); minus strand), TSPAN1 (tetraspanin 1; plus strand). Cytogenetic location: 1p34.1.
Variant type: single nucleotide variant.
Coding change: c.1430T>C on transcript NM_017739.4 (MANE Select); coding-DNA position 1430, T replaced by C.
Protein change: p.Met477Thr; replaces methionine 477 with threonine.
Molecular consequence: missense variant.
Genome position (GRCh38, 1-based): chr1:46,192,207, A>G on the plus strand (T>C on the coding strand, the complement: POMGNT1 is on the minus strand). VCF-style: chr1-46192207-A-G. GRCh37 (hg19) VCF-style: chr1-46657879-A-G.
Other names: c.1430T>C, p.Met477Thr (NM_001243766.2, NM_001410783.1); c.1364T>C, p.Met455Thr (NM_001290129.3); c.1001T>C, p.Met334Thr (NM_001290130.2); short protein forms M477T, M334T, M455T.
Identifiers: ClinVar variation 2193542 (VCV002193542.1), dbSNP rs1417790535, ClinGen allele CA340174250.